The following is an entry in ClinVar:

NM_001135146.2(SLC39A8):c.940_948dup (p.Phe316_Ile317insHisAsnPhe)

Genes: SLC39A8 (solute carrier family 39 member 8; minus strand), LOC126807125 (MED14-independent group 3 enhancer GRCh37_chr4:103188587-103189786; plus strand). Cytogenetic location: 4q24.
Variant type: Duplication.
Coding change: c.940_948dup on transcript NM_001135146.2 (MANE Select); coding-DNA positions 940 to 948, 9 bases duplicated (CACAATTTC; older notation c.940_948dupCACAATTTC).
Protein change: p.Phe316_Ile317insHisAsnPhe.
Molecular consequence: inframe insertion.
Genome position (GRCh38, 1-based): chr4:102,267,972-102,267,980, GAAATTGTG duplicated on the plus strand (CACAATTTC on the coding strand, the reverse complement: SLC39A8 is on the minus strand); duplicating any 9 consecutive bases within chr4:102,267,972-102,267,982 gives the same sequence; the c. name uses the placement nearest the transcript's 3' end. VCF-style (leftmost placement, unchanged base first): chr4-102267971-T-TGAAATTGTG. GRCh37 (hg19) VCF-style: chr4-103189128-T-TGAAATTGTG.
Other names: c.940_948dup, p.Phe316_Ile317insHisAsnPhe (NM_001135147.1, NM_022154.5); c.739_747dup, p.Phe249_Ile250insHisAsnPhe (NM_001135148.2).
Identifiers: ClinVar variation 1810741 (VCV001810741.1), dbSNP rs2476347811, ClinGen allele CA2580071260.

ClinVar aggregate classification (germline): Uncertain significance (1 of 4 stars; one submission).

Submission:

GeneDx
Classification: Uncertain significance. Last evaluated: 2022-07-06. Review status: criteria provided, single submitter. Criteria: GeneDx Variant Classification Process June 2021. Collection method: clinical testing. Allele origin: germline. Affected: yes.
Comment: Not observed at significant frequency in large population cohorts (gnomAD); In-frame insertion of three amino acids in a non-repeat region; Has not been previously published as pathogenic or benign to our knowledge